The following is an entry in ClinVar:

NM_004153.4(ORC1):c.1565T>C (p.Leu522Pro)

Gene: ORC1 (origin recognition complex subunit 1; minus strand). Cytogenetic location: 1p32.3.
Variant type: single nucleotide variant.
Coding change: c.1565T>C on transcript NM_004153.4 (MANE Select); coding-DNA position 1565, T replaced by C.
Protein change: p.Leu522Pro; replaces leucine 522 with proline.
Molecular consequence: missense variant.
Genome position (GRCh38, 1-based): chr1:52,385,179, A>G on the plus strand (T>C on the coding strand, the complement: ORC1 is on the minus strand). VCF-style: chr1-52385179-A-G. GRCh37 (hg19) VCF-style: chr1-52850851-A-G.
Other names: c.1565T>C, p.Leu522Pro (NM_001190818.2); c.1550T>C, p.Leu517Pro (NM_001190819.2); short protein forms L517P, L522P.
Identifiers: ClinVar variation 2012867 (VCV002012867.4), dbSNP rs1304094583, ClinGen allele CA340355131.

ClinVar aggregate classification (germline): Uncertain significance (1 of 4 stars; one submission).

Submission:

Labcorp Genetics (formerly Invitae), Labcorp
Classification: Uncertain significance. Last evaluated: 2022-07-01. Review status: criteria provided, single submitter. Criteria: Invitae Variant Classification Sherloc (09022015). Collection method: clinical testing. Allele origin: germline.
Comment: In summary, the available evidence is currently insufficient to determine the role of this variant in disease. Therefore, it has been classified as a Variant of Uncertain Significance. Algorithms developed to predict the effect of missense changes on protein structure and function (SIFT, PolyPhen-2, Align-GVGD) all suggest that this variant is likely to be disruptive. This variant has not been reported in the literature in individuals affected with ORC1-related conditions. This variant is not present in population databases (gnomAD no frequency). This sequence change replaces leucine, which is neutral and non-polar, with proline, which is neutral and non-polar, at codon 522 of the ORC1 protein (p.Leu522Pro).